The following is an entry in ClinVar:

NM_001330288.2(SMARCC2):c.2571G>T (p.Glu857Asp)

Gene: SMARCC2 (SWI/SNF related BAF chromatin remodeling complex subunit C2; minus strand). Cytogenetic location: 12q13.2.
Variant type: single nucleotide variant.
Coding change: c.2571G>T on transcript NM_001330288.2 (MANE Select); coding-DNA position 2571, G replaced by T.
Protein change: p.Glu857Asp; replaces glutamic acid 857 with aspartic acid.
Molecular consequence: missense variant.
Genome position (GRCh38, 1-based): chr12:56,169,673, C>A on the plus strand (G>T on the coding strand, the complement: SMARCC2 is on the minus strand). VCF-style: chr12-56169673-C-A. GRCh37 (hg19) VCF-style: chr12-56563457-C-A.
Other names: c.2571G>T, p.Glu857Asp (NM_001130420.3, NM_139067.4); c.2478G>T, p.Glu826Asp (NM_003075.5); short protein forms E826D, E857D.
Identifiers: ClinVar variation 3375789 (VCV003375789.1).

ClinVar aggregate classification (germline): Uncertain significance (1 of 4 stars; one submission).

Submission:

GeneDx
Classification: Uncertain significance. Last evaluated: 2024-05-10. Review status: criteria provided, single submitter. Criteria: GeneDx Variant Classification Process June 2021. Collection method: clinical testing. Allele origin: germline. Affected: yes.
Comment: Not observed at significant frequency in large population cohorts (gnomAD); In silico analysis indicates that this missense variant does not alter protein structure/function; Has not been previously published as pathogenic or benign to our knowledge